The following is an entry in ClinVar:

NM_014000.3(VCL):c.3374G>A (p.Arg1125His)

Gene: VCL (vinculin; plus strand). Cytogenetic location: 10q22.2.
Variant type: single nucleotide variant.
Coding change: c.3374G>A on transcript NM_014000.3 (MANE Select); coding-DNA position 3374, G replaced by A.
Protein change: p.Arg1125His; replaces arginine 1125 with histidine.
Molecular consequence: missense variant.
Genome position (GRCh38, 1-based): chr10:74,118,138, G>A. VCF-style: chr10-74118138-G-A. GRCh37 (hg19) VCF-style: chr10-75877896-G-A.
Other names: c.3170G>A, p.Arg1057His (NM_003373.4); short protein forms R1057H, R1125H.
Identifiers: ClinVar variation 1013630 (VCV001013630.8), dbSNP rs910885092, ClinGen allele CA209701259.

ClinVar aggregate classification (germline): Uncertain significance (1 of 4 stars; one submission).

Conditions:
Dilated cardiomyopathy 1W (CMD1W). Identifiers: Orphanet 154, MedGen C1969639, MONDO:0012667, OMIM 611407.

Allele frequency attached by ClinVar (database versions not stated): gnomAD exomes below 0.00001; TOPMed below 0.00001; gnomAD 0.00001.
gnomAD v4.1: 9 of 1,614,010 alleles (0.00056%); highest among the groups gnomAD compares: Admixed American, 0.0017%; no homozygotes.

Submission:

Labcorp Genetics (formerly Invitae), Labcorp
Classification: Uncertain significance for Dilated cardiomyopathy 1W. Last evaluated: 2025-07-27. Review status: criteria provided, single submitter. Criteria: Invitae Variant Classification Sherloc (09022015). Collection method: clinical testing. Allele origin: germline.
Comment: This sequence change replaces arginine, which is basic and polar, with histidine, which is basic and polar, at codon 1125 of the VCL protein (p.Arg1125His). This variant is present in population databases (no rsID available, gnomAD 0.1%). This variant has not been reported in the literature in individuals affected with VCL-related conditions. ClinVar contains an entry for this variant (Variation ID: 1013630). An algorithm developed to predict the effect of missense changes on protein structure and function (PolyPhen-2) suggests that this variant is likely to be tolerated. In summary, the available evidence is currently insufficient to determine the role of this variant in disease. Therefore, it has been classified as a Variant of Uncertain Significance.